The following is an entry in ClinVar:

ClinVar aggregate classification (germline): Uncertain significance. Review status: criteria provided, multiple submitters, no conflicts (2 of 4 stars). 3 submissions from 3 submitters: Uncertain significance (3). Last evaluated 2025-02-08.

Conditions:
Inborn genetic diseases. Identifiers: MedGen C0950123, MeSH D030342.

Allele frequency attached by ClinVar (database versions not stated): gnomAD exomes 0.00001; TOPMed 0.00001.
gnomAD v4.1: 4 of 1,494,022 alleles (0.00027%); highest among the groups gnomAD compares: South Asian, 0.0025%; no homozygotes.

Submissions (3):

Ambry Genetics
Classification: Uncertain significance for Inborn genetic diseases. Last evaluated: 2025-02-08. Review status: criteria provided, single submitter. Criteria: Ambry Variant Classification Scheme 2023. Collection method: clinical testing. Allele origin: germline.

Labcorp Genetics (formerly Invitae), Labcorp
Classification: Uncertain significance. Last evaluated: 2024-09-05. Review status: criteria provided, single submitter. Criteria: Invitae Variant Classification Sherloc (09022015). Collection method: clinical testing. Allele origin: germline.
Comment: This sequence change replaces histidine, which is basic and polar, with tyrosine, which is neutral and polar, at codon 514 of the SPEG protein (p.His514Tyr). This variant is not present in population databases (gnomAD no frequency). This missense change has been observed in individual(s) with SPEG-related conditions (internal data). ClinVar contains an entry for this variant (Variation ID: 1508697). Invitae Evidence Modeling of protein sequence and biophysical properties (such as structural, functional, and spatial information, amino acid conservation, physicochemical variation, residue mobility, and thermodynamic stability) indicates that this missense variant is expected to disrupt SPEG protein function with a positive predictive value of 95%. In summary, the available evidence is currently insufficient to determine the role of this variant in disease. Therefore, it has been classified as a Variant of Uncertain Significance.

Blueprint Genetics
Classification: Uncertain significance. Last evaluated: 2020-03-19. Review status: criteria provided, single submitter. Criteria: ACMG Guidelines, 2015. Collection method: clinical testing. Allele origin: germline.

NM_005876.5(SPEG):c.1540C>T (p.His514Tyr)

Gene: SPEG (striated muscle enriched protein kinase; plus strand). Cytogenetic location: 2q35.
Variant type: single nucleotide variant.
Coding change: c.1540C>T on transcript NM_005876.5 (MANE Select); coding-DNA position 1540, C replaced by T.
Protein change: p.His514Tyr; replaces histidine 514 with tyrosine.
Molecular consequence: missense variant.
Genome position (GRCh38, 1-based): chr2:219,448,698, C>T. VCF-style: chr2-219448698-C-T. GRCh37 (hg19) VCF-style: chr2-220313420-C-T.
Other names: c.1540C>T (NM_005876.4); short protein forms H514Y.
Identifiers: ClinVar variation 1508697 (VCV001508697.8), dbSNP rs998907013, ClinGen allele CA66004696.
Genomic context (GRCh38, chr2:219,448,698, plus strand): 5'-TTCGCCCAGGAGCTGGGCCGCATCCGCCGCTCCACGTCGCGGGAGGAGCTGGTGCGCTCG[C>T]ACGAGTCCCTGCGCGCCACGCTGCAGCGTGCCCCATCCCCTCGAGAGCCCGGCGAGCCCC-3'
Protein context (NP_005867.3, residues 504-524): STSREELVRS[His514Tyr]ESLRATLQRA